The following is an entry in ClinVar:

NM_020778.4:c.317G>A

Gene: ALPK3 (alpha kinase 3; plus strand).
Variant type: single nucleotide variant.
Identifiers: ClinVar variation 4613521 (VCV004613521.1).

ClinVar aggregate classification (germline): Uncertain significance (1 of 4 stars; one submission).

Conditions:
Cardiovascular phenotype. Identifiers: MedGen CN230736.

Submission:

Ambry Genetics
Classification: Uncertain significance for Cardiovascular phenotype. Last evaluated: 2025-11-25. Review status: criteria provided, single submitter. Criteria: Ambry Variant Classification Scheme 2023. Collection method: clinical testing. Allele origin: germline.
Comment: The p.R106Q variant (also known as c.317G>A), located in coding exon 1 of the ALPK3 gene, results from a G to A substitution at nucleotide position 317. The arginine at codon 106 is replaced by glutamine, an amino acid with highly similar properties. This amino acid position is conserved. In addition, this alteration is predicted to be tolerated by in silico analysis. Based on the available evidence, the clinical significance of this variant remains unclear.